The following is an entry in ClinVar:

ClinVar aggregate classification (germline): Benign. Review status: criteria provided, multiple submitters, no conflicts (2 of 4 stars). 2 submissions from 2 submitters: Benign (2). Last evaluated 2018-01-13.

Conditions:
Loeys-Dietz syndrome 4 (LDS4). Also called: ANEURYSM, AORTIC AND CEREBRAL, WITH ARTERIAL TORTUOSITY AND SKELETAL MANIFESTATIONS; TGFB2-Related Loeys-Dietz Syndrome. Identifiers: MedGen C3553762, MONDO:0013897, OMIM 614816.

Allele frequency attached by ClinVar (database versions not stated): gnomAD 0.37003 and 0.37323; TOPMed 0.39407; 1000 Genomes Project 0.46985.

Submissions (2):

Illumina Laboratory Services, Illumina
Classification: Benign for Loeys-Dietz syndrome 4. Last evaluated: 2018-01-13. Review status: criteria provided, single submitter. Criteria: ICSL Variant Classification Criteria 13 December 2019. Collection method: clinical testing. Allele origin: germline.
Comment: This variant was observed in the ICSL laboratory as part of a predisposition screen in an ostensibly healthy population. It had not been previously curated by ICSL or reported in the Human Gene Mutation Database (HGMD: prior to June 1st, 2018), and was therefore a candidate for classification through an automated scoring system. Utilizing variant allele frequency, disease prevalence and penetrance estimates, and inheritance mode, an automated score was calculated to assess if this variant is too frequent to cause the disease. Based on the score and internal cut-off values, a variant classified as benign is not then subjected to further curation. The score for this variant resulted in a classification of benign for this disease.

Breakthrough Genomics
Classification: Benign. Review status: criteria provided, single submitter. Criteria: ACMG Guidelines, 2015. Collection method: not provided. Allele origin: germline. Inheritance: Autosomal dominant inheritance. Affected: yes.

NM_003238.6(TGFB2):c.*1310C>T

Genes: TGFB2 (transforming growth factor beta 2; plus strand), TGFB2-OT1 (TGFB2 overlapping transcript 1; plus strand). Cytogenetic location: 1q41.
Variant type: single nucleotide variant.
Coding change: c.*1310C>T on transcript NM_003238.6 (MANE Select); 1310 bases downstream of the stop codon, C replaced by T.
Molecular consequence: 3 prime UTR variant. On other transcripts: non-coding transcript variant (3).
Genome position (GRCh38, 1-based): chr1:218,442,672, C>T. VCF-style: chr1-218442672-C-T. GRCh37 (hg19) VCF-style: chr1-218616014-C-T.
Other names: c.*1310C>T (NM_001135599.4).
Identifiers: ClinVar variation 295514 (VCV000295514.6), dbSNP rs1418556, ClinGen allele CA10609134.
Genomic context (GRCh38, chr1:218,442,672, plus strand): 5'-CTTGTGCTTTGTGTTTCTTTCATTATTATGACATAAGCTACCTGGGTCCACTTGTCTTTT[C>T]TTTTTTTTGTTTCACAGAAAAGATGGGTTCGAGTTCAGTGGTCTTCATCTTCCAAGCATC-3'